The following is an entry in ClinVar:

NM_206937.2(LIG4):c.280A>G (p.Ile94Val)

Gene: LIG4 (DNA ligase 4; minus strand). Cytogenetic location: 13q33.3.
Variant type: single nucleotide variant.
Coding change: c.280A>G on transcript NM_206937.2 (MANE Select); coding-DNA position 280, A replaced by G.
Protein change: p.Ile94Val; replaces isoleucine 94 with valine.
Molecular consequence: missense variant.
Genome position (GRCh38, 1-based): chr13:108,210,989, T>C on the plus strand (A>G on the coding strand, the complement: LIG4 is on the minus strand). VCF-style: chr13-108210989-T-C. GRCh37 (hg19) VCF-style: chr13-108863337-T-C.
Other names: c.280A>G, p.Ile94Val (NM_001098268.2, NM_001352598.2, NM_001352599.2 and 6 more transcripts); c.79A>G, p.Ile27Val (NM_001330595.2); c.316A>G, p.Ile106Val (NM_001352604.2); short protein forms I106V, I27V, I94V.
Identifiers: ClinVar variation 2165782 (VCV002165782.2), dbSNP rs779426813, ClinGen allele CA7043864.
Genomic context (GRCh38, chr13:108,210,989, plus strand): 5'-TTCTGTAGTTTAAAAGTTTGAGGGCATCTTTTCCATCTCTAGGTAAATTAAGCAACTCAA[T>C]ATAAAGCTTAGCAAGCATAGTTTCTTTAATTCCATAGGCCATTCTCTCTCTTTCTAGCTG-3'
Protein context (NP_996820.1, residues 84-104): IKETMLAKLY[Ile94Val]ELLNLPRDGK

ClinVar aggregate classification (germline): Uncertain significance. Review status: criteria provided, multiple submitters, no conflicts (2 of 4 stars). 2 submissions from 2 submitters: Uncertain significance (2). Last evaluated 2024-07-19.

Conditions:
DNA ligase IV deficiency. Identifiers: Orphanet 99812, MedGen C1847827, MONDO:0011686, OMIM 606593.

Allele frequency attached by ClinVar (database versions not stated): ExAC 0.00002; gnomAD 0.00002; TOPMed 0.00002; gnomAD exomes 0.00003.
gnomAD v4.1: 49 of 1,610,274 alleles (0.003%); highest among the groups gnomAD compares: Non-Finnish European, 0.004%; no homozygotes.

Submissions (2):

Blueprint Genetics
Classification: Uncertain significance. Last evaluated: 2024-07-19. Review status: criteria provided, single submitter. Criteria: ACMG Guidelines, 2015. Collection method: clinical testing. Allele origin: germline.

Labcorp Genetics (formerly Invitae), Labcorp
Classification: Uncertain significance for DNA ligase IV deficiency. Last evaluated: 2022-09-27. Review status: criteria provided, single submitter. Criteria: Invitae Variant Classification Sherloc (09022015). Collection method: clinical testing. Allele origin: germline.
Comment: This sequence change replaces isoleucine, which is neutral and non-polar, with valine, which is neutral and non-polar, at codon 94 of the LIG4 protein (p.Ile94Val). This variant is present in population databases (rs779426813, gnomAD 0.005%). This variant has not been reported in the literature in individuals affected with LIG4-related conditions. Algorithms developed to predict the effect of missense changes on protein structure and function output the following: SIFT: "Tolerated"; PolyPhen-2: "Benign"; Align-GVGD: "Class C0". The valine amino acid residue is found in multiple mammalian species, which suggests that this missense change does not adversely affect protein function. In summary, the available evidence is currently insufficient to determine the role of this variant in disease. Therefore, it has been classified as a Variant of Uncertain Significance.